The following is an entry in ClinVar:

ClinVar aggregate classification (germline): Likely benign (1 of 4 stars; one submission).

gnomAD v4.1: 58 of 1,592,424 alleles (0.0036%); highest among the groups gnomAD compares: Non-Finnish European, 0.0048%; no homozygotes.

Submission:

Women's Health and Genetics/Laboratory Corporation of America, LabCorp
Classification: Likely benign. Last evaluated: 2026-05-21. Review status: criteria provided, single submitter. Criteria: LabCorp Variant Classification Summary - May 2015. Collection method: clinical testing. Allele origin: germline.
Comment: Variant summary: ECE1 c.829-15G>T alters a nucleotide located at a position not widely known to affect splicing. Consensus agreement among computation tools predict no significant impact on normal splicing. However, these predictions have yet to be confirmed by functional studies. The variant allele was found at a frequency of 1.2e-05 in 242642 control chromosomes. The available data on variant occurrences in the general population are insufficient to allow any conclusion about variant significance. To our knowledge, no occurrence of c.829-15G>T in individuals affected with ECE1-related conditions and no experimental evidence demonstrating its impact on protein function have been reported. No submitters have cited clinical-significance assessments for this variant to ClinVar. Based on the evidence outlined above, the variant was classified as likely benign.

NM_001397.3(ECE1):c.829-15G>T

Gene: ECE1 (endothelin converting enzyme 1; minus strand). Cytogenetic location: 1p36.12.
Variant type: single nucleotide variant.
Coding change: c.829-15G>T on transcript NM_001397.3 (MANE Select); 15 bases into the intron before coding-DNA position 829, G replaced by T.
Molecular consequence: intron variant.
Genome position (GRCh38, 1-based): chr1:21,256,153, C>A on the plus strand (G>T on the coding strand, the complement: ECE1 is on the minus strand). VCF-style: chr1-21256153-C-A. GRCh37 (hg19) VCF-style: chr1-21582646-C-A.
Other names: c.781-15G>T (NM_001113348.2); c.820-15G>T (NM_001113349.2); c.793-15G>T (NM_001113347.2).
Identifiers: ClinVar variation 4853748 (VCV004853748.1).